The following is an entry in ClinVar:

NM_000535.7(PMS2):c.1847T>G (p.Val616Gly)

Gene: PMS2 (PMS1 homolog 2, mismatch repair system component; minus strand). Cytogenetic location: 7p22.1.
Variant type: single nucleotide variant.
Coding change: c.1847T>G on transcript NM_000535.7 (MANE Select); coding-DNA position 1847, T replaced by G.
Protein change: p.Val616Gly; replaces valine 616 with glycine.
Molecular consequence: missense variant. On other transcripts: non-coding transcript variant (1), intron variant (1).
Genome position (GRCh38, 1-based): chr7:5,986,918, A>C on the plus strand (T>G on the coding strand, the complement: PMS2 is on the minus strand). VCF-style: chr7-5986918-A-C. GRCh37 (hg19) VCF-style: chr7-6026549-A-C.
Other names: c.1442T>G, p.Val481Gly (NM_001018040.1, NM_001322003.2, NM_001322004.2 and 17 more transcripts); c.1691T>G, p.Val564Gly (NM_001322006.2, NM_001406870.1); c.1529T>G, p.Val510Gly (NM_001322007.2, NM_001322008.2, NM_001406883.1 and 2 more transcripts); c.1286T>G, p.Val429Gly (NM_001322010.2, NM_001406906.1, NM_001406907.1); c.914T>G, p.Val305Gly (NM_001322011.2, NM_001322012.2); c.1274T>G, p.Val425Gly (NM_001322013.2, NM_001406909.1); c.1847T>G, p.Val616Gly (NM_001322014.2, NM_001406871.1, NM_001406872.1); c.1538T>G, p.Val513Gly (NM_001322015.2, NM_001406878.1, NM_001406879.1 and 5 more transcripts); and 13 more; short protein forms V305G, V359G, V494G, V510G, V560G, V425G, V429G, V458G.
Identifiers: ClinVar variation 2860099 (VCV002860099.3), dbSNP rs1583314800, ClinGen allele CA366739601.
Genomic context (GRCh38, chr7:5,986,918, plus strand): 5'-GCTTCATGATGTAACTGCTTTATTCGTTTAGCTAAAGAACTCATAGAAAAGTCCAGGGGC[A>C]CAACTTTCTTATTAATTTTCACAGCTACATCAACCTGAGAGGCTGACATGTCCTGAGTAT-3'
Protein context (NP_000526.2, residues 606-626): DVAVKINKKV[Val616Gly]PLDFSMSSLA

ClinVar aggregate classification (germline): Uncertain significance (1 of 4 stars; one submission).

Conditions:
Hereditary nonpolyposis colorectal neoplasms. Identifiers: MedGen C0009405, MeSH D003123.

Submission:

Labcorp Genetics (formerly Invitae), Labcorp
Classification: Uncertain significance for Hereditary nonpolyposis colorectal neoplasms. Last evaluated: 2023-04-25. Review status: criteria provided, single submitter. Criteria: Invitae Variant Classification Sherloc (09022015). Collection method: clinical testing. Allele origin: germline.
Comment: In summary, the available evidence is currently insufficient to determine the role of this variant in disease. Therefore, it has been classified as a Variant of Uncertain Significance. Advanced modeling of protein sequence and biophysical properties (such as structural, functional, and spatial information, amino acid conservation, physicochemical variation, residue mobility, and thermodynamic stability) performed at Invitae indicates that this missense variant is expected to disrupt PMS2 protein function. This variant has not been reported in the literature in individuals affected with PMS2-related conditions. This variant is not present in population databases (gnomAD no frequency). This sequence change replaces valine, which is neutral and non-polar, with glycine, which is neutral and non-polar, at codon 616 of the PMS2 protein (p.Val616Gly).